The following is an entry in ClinVar:

NM_024334.3(TMEM43):c.658C>A (p.Arg220Ser)

Gene: TMEM43 (transmembrane protein 43; plus strand). Cytogenetic location: 3p25.1.
Variant type: single nucleotide variant.
Coding change: c.658C>A on transcript NM_024334.3 (MANE Select); coding-DNA position 658, C replaced by A.
Protein change: p.Arg220Ser; replaces arginine 220 with serine.
Molecular consequence: missense variant.
Genome position (GRCh38, 1-based): chr3:14,134,844, C>A. VCF-style: chr3-14134844-C-A. GRCh37 (hg19) VCF-style: chr3-14176344-C-A.
Other names: c.661C>A, p.Arg221Ser (NM_001407274.1); c.658C>A, p.Arg220Ser (NM_001407275.1, NM_001407276.1, NM_001407277.1 and 1 more transcripts); c.643C>A, p.Arg215Ser (NM_001407278.1); c.508C>A, p.Arg170Ser (NM_001407280.1); short protein forms R221S, R215S, R170S, R220S.
Identifiers: ClinVar variation 1754341 (VCV001754341.2), dbSNP rs562700595, ClinGen allele CA351535582.

ClinVar aggregate classification (germline): Uncertain significance (1 of 4 stars; one submission).

Conditions:
Cardiovascular phenotype. Identifiers: MedGen CN230736.

gnomAD v4.1: 2 of 1,614,182 alleles (0.00012%); highest among the groups gnomAD compares: Non-Finnish European, 0.00017%; no homozygotes.

Submission:

Ambry Genetics
Classification: Uncertain significance for Cardiovascular phenotype. Last evaluated: 2021-06-02. Review status: criteria provided, single submitter. Criteria: Ambry Variant Classification Scheme 2023. Collection method: clinical testing. Allele origin: germline.
Comment: The p.R220S variant (also known as c.658C>A), located in coding exon 8 of the TMEM43 gene, results from a C to A substitution at nucleotide position 658. The arginine at codon 220 is replaced by serine, an amino acid with dissimilar properties. This amino acid position is well conserved in available vertebrate species. In addition, this alteration is predicted to be tolerated by in silico analysis. Since supporting evidence is limited at this time, the clinical significance of this alteration remains unclear.